The following is an entry in ClinVar:

NM_001267550.2(TTN):c.23782G>C (p.Glu7928Gln)

Gene: TTN (titin; minus strand). Cytogenetic location: 2q31.2.
Variant type: single nucleotide variant.
Coding change: c.23782G>C on transcript NM_001267550.2 (MANE Select); coding-DNA position 23782, G replaced by C.
Protein change: p.Glu7928Gln; replaces glutamic acid 7928 with glutamine.
Molecular consequence: missense variant. On other transcripts: intron variant (3).
Genome position (GRCh38, 1-based): chr2:178,719,710, C>G on the plus strand (G>C on the coding strand, the complement: TTN is on the minus strand). VCF-style: chr2-178719710-C-G. GRCh37 (hg19) VCF-style: chr2-179584437-C-G.
Other names: c.22831G>C, p.Glu7611Gln (NM_001256850.1); c.20050G>C, p.Glu6684Gln (NM_133378.4); c.13282+18372G>C (NM_003319.4); c.13858+18372G>C (NM_133437.4); c.13657+18372G>C (NM_133432.3); short protein forms E6684Q, E7611Q, E7928Q.
Identifiers: ClinVar variation 2507039 (VCV002507039.1), dbSNP rs770121355, ClinGen allele CA2000566.

ClinVar aggregate classification (germline): Uncertain significance (1 of 4 stars; one submission).

Allele frequency attached by ClinVar (database versions not stated): TOPMed below 0.00001; gnomAD exomes 0.00001; ExAC 0.00002.
gnomAD v4.1: 3 of 1,613,730 alleles (0.00019%); highest among the groups gnomAD compares: Admixed American, 0.0017%; no homozygotes.

Submission:

GeneDx
Classification: Uncertain significance. Last evaluated: 2023-01-03. Review status: criteria provided, single submitter. Criteria: GeneDx Variant Classification Process June 2021. Collection method: clinical testing. Allele origin: germline. Affected: yes.
Comment: Not observed at significant frequency in large population cohorts (gnomAD); Missense variant in a gene in which most reported pathogenic variants are truncating/loss of function; Has not been previously published as pathogenic or benign in association with a TTN-related disorder to our knowledge; This variant is associated with the following publications: (PMID: 29263846)